The following is an entry in ClinVar:

ClinVar aggregate classification (germline): Uncertain significance (1 of 4 stars; one submission).

Conditions:
Inborn genetic diseases. Identifiers: MedGen C0950123, MeSH D030342.

Submission:

Ambry Genetics
Classification: Uncertain significance for Inborn genetic diseases. Last evaluated: 2024-10-04. Review status: criteria provided, single submitter. Criteria: Ambry Variant Classification Scheme 2023. Collection method: clinical testing. Allele origin: germline.
Comment: The p.F133C variant (also known as c.398T>G), located in coding exon 2 of the ERCC6L2 gene, results from a T to G substitution at nucleotide position 398. The phenylalanine at codon 133 is replaced by cysteine, an amino acid with highly dissimilar properties. This amino acid position is conserved. In addition, this alteration is predicted to be deleterious by in silico analysis. Based on the available evidence, the clinical significance of this variant remains unclear.

NM_020207.7(ERCC6L2):c.398T>G (p.Phe133Cys)

Gene: ERCC6L2 (ERCC excision repair 6 like 2; plus strand). Cytogenetic location: 9q22.32.
Variant type: single nucleotide variant.
Coding change: c.398T>G on transcript NM_020207.7 (MANE Select); coding-DNA position 398, T replaced by G.
Protein change: p.Phe133Cys; replaces phenylalanine 133 with cysteine.
Molecular consequence: missense variant. On other transcripts: non-coding transcript variant (1).
Genome position (GRCh38, 1-based): chr9:95,881,220, T>G. VCF-style: chr9-95881220-T-G. GRCh37 (hg19) VCF-style: chr9-98643502-T-G.
Other names: c.398T>G, p.Phe133Cys (NM_001010895.4, NM_001375291.1, NM_001375292.1 and 2 more transcripts); short protein forms F133C.
Identifiers: ClinVar variation 3509954 (VCV003509954.1).